The following is an entry in ClinVar:

NM_001134363.3(RBM20):c.680G>T (p.Gly227Val)

Gene: RBM20 (RNA binding motif protein 20; plus strand). Cytogenetic location: 10q25.2.
Variant type: single nucleotide variant.
Coding change: c.680G>T on transcript NM_001134363.3 (MANE Select); coding-DNA position 680, G replaced by T.
Protein change: p.Gly227Val; replaces glycine 227 with valine.
Molecular consequence: missense variant.
Genome position (GRCh38, 1-based): chr10:110,781,289, G>T. VCF-style: chr10-110781289-G-T. GRCh37 (hg19) VCF-style: chr10-112541047-G-T.
Other names: p.G227V:GGA>GTA; short protein forms G227V.
Identifiers: ClinVar variation 178111 (VCV000178111.67), dbSNP rs202238753, ClinGen allele CA181426.

ClinVar aggregate classification (germline): Conflicting classifications of pathogenicity. Review status: criteria provided, conflicting classifications (1 of 4 stars). 16 submissions from 16 submitters: Uncertain significance (3); Benign (4); Likely benign (6). 3 of the submissions do not count toward it. Last evaluated 2026-09-01.

Conditions:
Cardiovascular phenotype. Identifiers: MedGen CN230736.
RBM20-related disorder. Also called: RBM20-related condition.
Cardiomyopathy (CMYO). Also called: Cardiomyopathies. Identifiers: Orphanet 167848, MedGen C0878544, MONDO:0004994, HP:0001638. Inheritance: Various modes of inheritance.
Primary dilated cardiomyopathy (DCM). Also called: Dilated Cardiomyopathy. Identifiers: Orphanet 217604, MedGen C0007193, MeSH D002311, MONDO:0005021, HP:0001644. Inheritance: Various modes of inheritance.
Dilated cardiomyopathy 1DD (CMD1DD). Identifiers: Orphanet 154, MedGen C2750995, MONDO:0013168, OMIM 613172.

Allele frequency attached by ClinVar (database versions not stated): 1000 Genomes Project 30x 0.00031; 1000 Genomes Project 0.00040; TOPMed 0.00052; gnomAD exomes 0.00061 and 0.00142; gnomAD 0.00066 and 0.00074; ESP Exome Variant Server 0.00110; ExAC 0.00209.
gnomAD v4.1: 1,027 of 1,551,716 alleles (0.066%); highest among the groups gnomAD compares: Middle Eastern, 0.55%; 2 homozygotes.

Submissions (16):

CeGaT Center for Human Genetics Tuebingen
Classification: Benign. Last evaluated: 2026-09-01. Review status: criteria provided, single submitter. Criteria: CeGaT Center For Human Genetics Tuebingen Variant Classification Criteria Version 2. Collection method: clinical testing. Allele origin: germline. Affected: yes. Observed: 27 variant alleles.
Comment: RBM20: BS1, BS2

Labcorp Genetics (formerly Invitae), Labcorp
Classification: Likely benign for Dilated cardiomyopathy 1DD. Last evaluated: 2026-01-25. Review status: criteria provided, single submitter. Criteria: Invitae Variant Classification Sherloc (09022015). Collection method: clinical testing. Allele origin: germline.

Molecular Diagnostic Laboratory for Inherited Cardiovascular Disease, Montreal Heart Institute
Classification: Likely benign. Last evaluated: 2025-04-09. Review status: criteria provided, single submitter. Criteria: ACMG Guidelines, 2015. Collection method: clinical testing. Allele origin: germline. Affected: no.

Blueprint Genetics
Classification: Likely benign. Last evaluated: 2024-11-22. Review status: criteria provided, single submitter. Criteria: ACMG Guidelines, 2015. Collection method: clinical testing. Allele origin: germline.

PreventionGenetics, part of Exact Sciences
Classification: Benign for RBM20-related condition. Last evaluated: 2024-10-17. Review status: criteria provided, single submitter. Criteria: ACMG Guidelines, 2015. Collection method: clinical testing. Allele origin: germline.
Comment: This variant is classified as benign based on ACMG/AMP sequence variant interpretation guidelines (Richards et al. 2015 PMID: 25741868, with internal and published modifications).

Women's Health and Genetics/Laboratory Corporation of America, LabCorp
Classification: Likely benign. Last evaluated: 2024-02-25. Review status: criteria provided, single submitter. Criteria: LabCorp Variant Classification Summary - May 2015. Collection method: clinical testing. Allele origin: germline.

GeneDx
Classification: Benign. Last evaluated: 2020-06-24. Review status: criteria provided, single submitter. Criteria: GeneDx Variant Classification Process June 2021. Collection method: clinical testing. Allele origin: germline. Affected: yes.
Comment: This variant is associated with the following publications: (PMID: 28255936, 30611920, 25351510)

CHEO Genetics Diagnostic Laboratory, Children's Hospital of Eastern Ontario
Classification: Benign for Cardiomyopathy. Last evaluated: 2019-09-16. Review status: criteria provided, single submitter. Criteria: ACMG Guidelines, 2015. Collection method: clinical testing. Allele origin: germline. Study: Canadian Open Genetics Repository.

Ambry Genetics
Classification: Likely benign for Cardiovascular phenotype. Last evaluated: 2018-05-08. Review status: criteria provided, single submitter. Criteria: Ambry Variant Classification Scheme 2023. Collection method: clinical testing. Allele origin: germline.

Illumina Laboratory Services, Illumina
Classification: Uncertain significance for Dilated cardiomyopathy 1DD. Last evaluated: 2018-01-12. Review status: criteria provided, single submitter. Criteria: ICSL Variant Classification Criteria 13 December 2019. Collection method: clinical testing. Allele origin: germline.

CSER _CC_NCGL, University of Washington
Classification: Likely benign for Dilated cardiomyopathy. Last evaluated: 2016-10-01. Review status: criteria provided, single submitter. Criteria: Amendola et al. (Genome Res. 2015). Collection method: research. Allele origin: germline. Affected: no. Study: CSER - NEXT Medicine variant annotation.
Comment: This interpretation considers GERP score and allele frequency data, in addition to published reports of the variant in the literature, available at the time of review.

Laboratory for Molecular Medicine, Mass General Brigham Personalized Medicine
Classification: Uncertain significance. Last evaluated: 2014-07-16. Review status: criteria provided, single submitter. Criteria: LMM Criteria. Collection method: clinical testing. Allele origin: germline. Observed: 4 variant alleles.
Comment: Variant classified as Uncertain Significance - Favor Benign. This variant has also been identified in 0.2% (5/3182) of European American c hromosomes by the NHLBI Exome Sequencing Project (dbSNP rs202238753). Glycine (Gly) at position 227 is not well conserved in evolu tion and one mammal (panda) carries a valine (Val) at this position, raising the possibility that this change may be tolerated. In summary, while the clinical significance of the Gly227Val variant is uncertain, these data suggest that it i s more likely to be benign.

Stanford Center for Inherited Cardiovascular Disease, Stanford University
Classification: Uncertain significance. Last evaluated: 2013-11-13. Review status: criteria provided, single submitter. Criteria: ACMG Guidelines, 2015. Collection method: provider interpretation. Allele origin: germline.

Clinical Genetics DNA and cytogenetics Diagnostics Lab, Erasmus MC, Erasmus Medical Center
Classification: Likely benign. Review status: no assertion criteria provided. Collection method: clinical testing. Allele origin: germline. Affected: yes. Study: VKGL Data-share Consensus. Not counted in ClinVar's aggregate classification.

Clinical Genetics, Academic Medical Center
Classification: Benign. Review status: no assertion criteria provided. Collection method: clinical testing. Allele origin: germline. Affected: yes. Study: VKGL Data-share Consensus. Not counted in ClinVar's aggregate classification.

Diagnostic Laboratory, Department of Genetics, University Medical Center Groningen
Classification: Likely benign. Review status: no assertion criteria provided. Collection method: clinical testing. Allele origin: germline. Affected: yes. Study: VKGL Data-share Consensus. Not counted in ClinVar's aggregate classification.

Literature cited by the submitters: PubMed 25351510 (cited by Ambry Genetics).